The following is an entry in ClinVar:

NM_000059.4(BRCA2):c.4637T>G (p.Phe1546Cys)

Gene: BRCA2 (BRCA2 DNA repair associated; plus strand). Cytogenetic location: 13q13.1.
Variant type: single nucleotide variant.
Coding change: c.4637T>G on transcript NM_000059.4 (MANE Select); coding-DNA position 4637, T replaced by G.
Protein change: p.Phe1546Cys; replaces phenylalanine 1546 with cysteine.
Molecular consequence: missense variant.
Genome position (GRCh38, 1-based): chr13:32,338,992, T>G. VCF-style: chr13-32338992-T-G. GRCh37 (hg19) VCF-style: chr13-32913129-T-G.
Other names: short protein forms F1546C.
Identifiers: ClinVar variation 924211 (VCV000924211.7), dbSNP rs397507337, ClinGen allele CA387782130.
Genomic context (GRCh38, chr13:32,338,992, plus strand): 5'-CAGCTAGCGGGAAAAAAGTTAAAATTGCAAAGGAATCTTTGGACAAAGTGAAAAACCTTT[T>G]TGATGAAAAAGAGCAAGGTACTAGTGAAATCACCAGTTTTAGCCATCAATGGGCAAAGAC-3'
Protein context (NP_000050.3, residues 1536-1556): KESLDKVKNL[Phe1546Cys]DEKEQGTSEI

ClinVar aggregate classification (germline): Conflicting classifications of pathogenicity. Review status: criteria provided, conflicting classifications (1 of 4 stars). 2 submissions from 2 submitters: Uncertain significance (1); Likely benign (1). Last evaluated 2023-12-05.

Conditions:
Hereditary cancer-predisposing syndrome. Also called: Neoplastic Syndromes, Hereditary; Tumor predisposition; Hereditary Cancer Syndrome; Hereditary neoplastic syndrome. Identifiers: Orphanet 140162, MedGen C0027672, MeSH D009386, MONDO:0015356.

Submissions (2):

Color Diagnostics, LLC DBA Color Health
Classification: Uncertain significance for Hereditary cancer-predisposing syndrome. Last evaluated: 2023-12-05. Review status: criteria provided, single submitter. Criteria: ACMG Guidelines, 2015. Collection method: clinical testing. Allele origin: germline.
Comment: This missense variant replaces phenylalanine with cysteine at codon 1546 of the BRCA2 protein. Computational prediction tools and conservation analyses suggest that this variant may have deleterious impact on the protein function. Computational splicing tools suggest that this variant may not impact RNA splicing. To our knowledge, functional assays have not been performed for this variant nor has this variant been reported in individuals affected with hereditary cancer in the literature. This variant has not been identified in the general population by the Genome Aggregation Database (gnomAD). Available evidence is insufficient to determine the role of this variant in disease conclusively. Therefore, this variant is classified as a Variant of Uncertain Significance.

University of Washington Department of Laboratory Medicine, University of Washington
Classification: Likely benign for Hereditary cancer-predisposing syndrome. Last evaluated: 2023-03-23. Review status: criteria provided, single submitter. Criteria: Dines et al. (Genet Med. 2020). Collection method: curation. Allele origin: germline.
Comment: Missense variant in a coldspot region where missense variants are very unlikely to be pathogenic (PMID:31911673).

BRCA2 exon 11 coldspot. Reclassification based on statistical prior probability.